The following is an entry in ClinVar:

NM_205768.3(ZBTB18):c.31G>C (p.Glu11Gln)

Gene: ZBTB18 (zinc finger and BTB domain containing 18; plus strand). Cytogenetic location: 1q44.
Variant type: single nucleotide variant.
Coding change: c.31G>C on transcript NM_205768.3 (MANE Select); coding-DNA position 31, G replaced by C.
Protein change: p.Glu11Gln; replaces glutamic acid 11 with glutamine.
Molecular consequence: missense variant.
Genome position (GRCh38, 1-based): chr1:244,053,805, G>C. VCF-style: chr1-244053805-G-C. GRCh37 (hg19) VCF-style: chr1-244217107-G-C.
Other names: c.4G>C, p.Glu2Gln (NM_001278196.2, NM_006352.5); c.31G>C, p.Glu11Gln (NM_001421566.1); short protein forms E11Q, E2Q.
Identifiers: ClinVar variation 2579910 (VCV002579910.1), dbSNP rs2527554541, ClinGen allele CA345671966.

ClinVar aggregate classification (germline): Uncertain significance (1 of 4 stars; one submission).

Submission:

GeneDx
Classification: Uncertain significance. Last evaluated: 2023-03-16. Review status: criteria provided, single submitter. Criteria: GeneDx Variant Classification Process June 2021. Collection method: clinical testing. Allele origin: germline. Affected: yes.
Comment: Not observed at significant frequency in large population cohorts (gnomAD); In silico analysis supports that this missense variant does not alter protein structure/function; Has not been previously published as pathogenic or benign to our knowledge